The following is an entry in ClinVar:

NM_033087.4(ALG2):c.220_222del (p.Trp74del)

Gene: ALG2 (ALG2 alpha-1,3/1,6-mannosyltransferase; minus strand). Cytogenetic location: 9q22.33.
Variant type: Deletion.
Coding change: c.220_222del on transcript NM_033087.4 (MANE Select); coding-DNA positions 220 to 222, 3 bases deleted (TGG; older notation c.220_222delTGG).
Protein change: p.Trp74del; deletes tryptophan 74.
Molecular consequence: inframe deletion. On other transcripts: non-coding transcript variant (1).
Genome position (GRCh38, 1-based): chr9:99,221,673-99,221,675, CCA deleted on the plus strand (TGG on the coding strand, the reverse complement: ALG2 is on the minus strand). VCF-style (leftmost placement, unchanged base first): chr9-99221672-GCCA-G. GRCh37 (hg19) VCF-style: chr9-101983954-GCCA-G.
Other names: short protein forms W74del.
Identifiers: ClinVar variation 5043363 (VCV005043363.1).

ClinVar aggregate classification (germline): Pathogenic (1 of 4 stars; one submission).

Conditions:
Congenital myasthenic syndrome (CMS). Also called: Congenital Myasthenic Syndromes. Identifiers: Orphanet 590, MedGen C0751882, MeSH D020294, MONDO:0018940.

Submission:

Cellular and Molecular Research Center, Cellular and Molecular Medicine Research Institute,, Urmia University of Medical Sciences
Classification: Pathogenic for Congenital myasthenic syndrome. Last evaluated: 2026-10-18. Review status: criteria provided, single submitter. Criteria: ACMG Guidelines, 2015. Collection method: clinical testing. Allele origin: germline. Inheritance: Autosomal recessive inheritance. Affected: yes. Observed: 1 variant allele, 1 homozygote.
Comment: The ALG2 gene encodes alpha-1,3-mannosyltransferase, an enzyme essential for N-linked protein glycosylation. Biallelic pathogenic variants in ALG2 are associated with congenital disorders of glycosylation due to impaired protein glycosylation. The variant c.220_222del represents a three-base-pair deletion, predicted to cause an in-frame deletion without altering the reading frame. Its precise protein-level consequence should be confirmed using the NM_033087.4 reference transcript. This segregation pattern, together with the established disease association of ALG2 and the predicted effect of the variant, supports its potential pathogenic role.

Literature cited by the submitters: DOI 10.1074/jbc.M302850200.